The following is an entry in ClinVar:

ClinVar aggregate classification (germline): Likely pathogenic (1 of 4 stars; one submission).

Submission:

Labcorp Genetics (formerly Invitae), Labcorp
Classification: Likely pathogenic. Last evaluated: 2023-03-03. Review status: criteria provided, single submitter. Criteria: Invitae Variant Classification Sherloc (09022015). Collection method: clinical testing. Allele origin: germline.
Comment: Algorithms developed to predict the effect of sequence changes on RNA splicing suggest that this variant may disrupt the consensus splice site. This variant has not been reported in the literature in individuals affected with VLDLR-related conditions. This variant is not present in population databases (gnomAD no frequency). This sequence change affects a splice site in intron 2 of the VLDLR gene. It is expected to disrupt RNA splicing. Variants that disrupt the donor or acceptor splice site typically lead to a loss of protein function (PMID: 16199547), and loss-of-function variants in VLDLR are known to be pathogenic (PMID: 18043714, 18326629, 22532556). In summary, the currently available evidence indicates that the variant is pathogenic, but additional data are needed to prove that conclusively. Therefore, this variant has been classified as Likely Pathogenic.

Literature cited by the submitters: PubMed 16199547; PubMed 18043714; PubMed 18326629; PubMed 22532556.

NM_003383.5(VLDLR):c.203-1del

Gene: VLDLR (very low density lipoprotein receptor; plus strand). Cytogenetic location: 9p24.2.
Variant type: Deletion.
Coding change: c.203-1del on transcript NM_003383.5 (MANE Select); the canonical splice acceptor site of the intron before coding-DNA position 203, one base deleted (G; older notation c.203-1delG).
Molecular consequence: splice acceptor variant.
Genome position (GRCh38, 1-based): chr9:2,639,858, G deleted. VCF-style (leftmost placement, unchanged base first): chr9-2639857-AG-A. GRCh37 (hg19) VCF-style: chr9-2639857-AG-A.
Other names: c.203-1del (NM_001018056.3, NM_001322225.2, NM_001322226.2).
Identifiers: ClinVar variation 2842381 (VCV002842381.3), dbSNP rs2488718242, ClinGen allele CA2739269114.